The following is an entry in ClinVar:

ClinVar aggregate classification (germline): Uncertain significance (1 of 4 stars; one submission).

Submission:

Labcorp Genetics (formerly Invitae), Labcorp
Classification: Uncertain significance. Last evaluated: 2023-05-22. Review status: criteria provided, single submitter. Criteria: Invitae Variant Classification Sherloc (09022015). Collection method: clinical testing. Allele origin: germline.
Comment: In summary, the available evidence is currently insufficient to determine the role of this variant in disease. Therefore, it has been classified as a Variant of Uncertain Significance. Advanced modeling of protein sequence and biophysical properties (such as structural, functional, and spatial information, amino acid conservation, physicochemical variation, residue mobility, and thermodynamic stability) performed at Invitae indicates that this missense variant is not expected to disrupt SNIP1 protein function. ClinVar contains an entry for this variant (Variation ID: 1400572). This variant has not been reported in the literature in individuals affected with SNIP1-related conditions. This variant is not present in population databases (gnomAD no frequency). This sequence change replaces arginine, which is basic and polar, with glycine, which is neutral and non-polar, at codon 140 of the SNIP1 protein (p.Arg140Gly).

NM_024700.4(SNIP1):c.418C>G (p.Arg140Gly)

Genes: SNIP1 (Smad nuclear interacting protein 1; minus strand), LOC126805704 (BRD4-independent group 4 enhancer GRCh37_chr1:38005292-38006491; plus strand). Cytogenetic location: 1p34.3.
Variant type: single nucleotide variant.
Coding change: c.418C>G on transcript NM_024700.4 (MANE Select); coding-DNA position 418, C replaced by G.
Protein change: p.Arg140Gly; replaces arginine 140 with glycine.
Molecular consequence: missense variant.
Genome position (GRCh38, 1-based): chr1:37,540,665, G>C on the plus strand (C>G on the coding strand, the complement: SNIP1 is on the minus strand). VCF-style: chr1-37540665-G-C. GRCh37 (hg19) VCF-style: chr1-38006266-G-C.
Other names: short protein forms R140G.
Identifiers: ClinVar variation 1400572 (VCV001400572.8), dbSNP rs1008679610, ClinGen allele CA339452555.